The following is an entry in ClinVar:

ClinVar aggregate classification (germline): Uncertain significance (1 of 4 stars; one submission).

Conditions:
Charcot-Marie-Tooth disease axonal type 2S. Also called: CHARCOT-MARIE-TOOTH NEUROPATHY, TYPE 2S; CHARCOT-MARIE-TOOTH DISEASE, AXONAL, AUTOSOMAL RECESSIVE, TYPE 2S. Identifiers: Orphanet 443073, MedGen C4015349, MONDO:0014511, OMIM 616155.
Autosomal recessive distal spinal muscular atrophy 1. Also called: NEURONOPATHY, SEVERE INFANTILE AXONAL, WITH RESPIRATORY FAILURE; SEVERE INFANTILE AXONAL NEUROPATHY WITH RESPIRATORY FAILURE; SPINAL MUSCULAR ATROPHY, DIAPHRAGMATIC; Spinal muscular atrophy with respiratory distress 1; NEURONOPATHY, DISTAL HEREDITARY MOTOR, HARDING TYPE VI; NEUROPATHY, DISTAL HEREDITARY MOTOR, AUTOSOMAL RECESSIVE 1. Identifiers: Orphanet 98920, MedGen C1858517, MONDO:0011436, OMIM 604320.

gnomAD v4.1: 4 of 1,614,182 alleles (0.00025%); highest among the groups gnomAD compares: South Asian, 0.0011%; no homozygotes.

Submission:

Labcorp Genetics (formerly Invitae), Labcorp
Classification: Uncertain significance for Autosomal recessive distal spinal muscular atrophy 1; Charcot-Marie-Tooth disease axonal type 2S. Last evaluated: 2022-04-05. Review status: criteria provided, single submitter. Criteria: Invitae Variant Classification Sherloc (09022015). Collection method: clinical testing. Allele origin: germline.
Comment: Advanced modeling of protein sequence and biophysical properties (such as structural, functional, and spatial information, amino acid conservation, physicochemical variation, residue mobility, and thermodynamic stability) performed at Invitae indicates that this missense variant is expected to disrupt IGHMBP2 protein function. In summary, the available evidence is currently insufficient to determine the role of this variant in disease. Therefore, it has been classified as a Variant of Uncertain Significance. This variant has not been reported in the literature in individuals affected with IGHMBP2-related conditions. This variant is not present in population databases (gnomAD no frequency). This sequence change replaces threonine, which is neutral and polar, with isoleucine, which is neutral and non-polar, at codon 602 of the IGHMBP2 protein (p.Thr602Ile).

NM_002180.3(IGHMBP2):c.1805C>T (p.Thr602Ile)

Gene: IGHMBP2 (immunoglobulin mu DNA binding protein 2; plus strand). Cytogenetic location: 11q13.3.
Variant type: single nucleotide variant.
Coding change: c.1805C>T on transcript NM_002180.3 (MANE Select); coding-DNA position 1805, C replaced by T.
Protein change: p.Thr602Ile; replaces threonine 602 with isoleucine.
Molecular consequence: missense variant.
Genome position (GRCh38, 1-based): chr11:68,936,285, C>T. VCF-style: chr11-68936285-C-T. GRCh37 (hg19) VCF-style: chr11-68703753-C-T.
Other names: short protein forms T602I.
Identifiers: ClinVar variation 1447914 (VCV001447914.6), dbSNP rs779182888, ClinGen allele CA381651579.